The following is an entry in ClinVar:

ClinVar aggregate classification (germline): Uncertain significance (1 of 4 stars; one submission).

Conditions:
Congenital myasthenic syndrome 2A. Also called: Myasthenic syndrome, congenital, 2a, slow-channel. Identifiers: Orphanet 590, MedGen C4225374, MONDO:0014581, OMIM 616313.

Submission:

Labcorp Genetics (formerly Invitae), Labcorp
Classification: Uncertain significance for Congenital myasthenic syndrome 2A. Last evaluated: 2025-03-18. Review status: criteria provided, single submitter. Criteria: Invitae Variant Classification Sherloc (09022015). Collection method: clinical testing. Allele origin: germline.
Comment: This variant, c.38_46dup, results in the insertion of 3 amino acid(s) of the CHRNB1 protein (p.Leu13_Ala15dup), but otherwise preserves the integrity of the reading frame. This variant is not present in population databases (gnomAD no frequency). This variant has not been reported in the literature in individuals affected with CHRNB1-related conditions. In summary, the available evidence is currently insufficient to determine the role of this variant in disease. Therefore, it has been classified as a Variant of Uncertain Significance.

NM_000747.3(CHRNB1):c.29TGGGGGCGC[3] (p.Ala15_Pro16insLeuGlyAla)

Genes: CHRNB1 (cholinergic receptor nicotinic beta 1 subunit; plus strand), LOC130060147 (ATAC-STARR-seq lymphoblastoid silent region 8121; plus strand). Cytogenetic location: 17p13.1.
Variant type: Microsatellite.
Coding change: c.29TGGGGGCGC[3] on transcript NM_000747.3 (MANE Select); three copies in a row of the 9-base unit TGGGGGCGC starting at c.29; the reference has two copies in a row; one copy, 9 bases duplicated.
Protein change: p.Ala15_Pro16insLeuGlyAla.
Molecular consequence: inframe insertion.
Genome position (GRCh38, 1-based): chr17:7,445,165-7,445,173, TGGGGGCGC duplicated; duplicating any 9 consecutive bases within chr17:7,445,154-7,445,173 gives the same sequence; the position shown is the placement nearest the transcript's 3' end. VCF-style (leftmost placement, unchanged base first): chr17-7445153-T-TGCTGGGGGC. GRCh37 (hg19) VCF-style: chr17-7348472-T-TGCTGGGGGC.
Identifiers: ClinVar variation 4741115 (VCV004741115.1).